The following is an entry in ClinVar:

ClinVar aggregate classification (germline): Uncertain significance (1 of 4 stars; one submission).

gnomAD v4.1: 3 of 1,602,548 alleles (0.00019%); highest among the groups gnomAD compares: Non-Finnish European, 0.00026%; no homozygotes.

Submission:

Labcorp Genetics (formerly Invitae), Labcorp
Classification: Uncertain significance. Last evaluated: 2025-07-18. Review status: criteria provided, single submitter. Criteria: Invitae Variant Classification Sherloc (09022015). Collection method: clinical testing. Allele origin: germline.
Comment: This sequence change replaces isoleucine, which is neutral and non-polar, with leucine, which is neutral and non-polar, at codon 1024 of the CHD8 protein (p.Ile1024Leu). This variant is not present in population databases (gnomAD no frequency). This variant has not been reported in the literature in individuals affected with CHD8-related conditions. Invitae Evidence Modeling of protein sequence and biophysical properties (such as structural, functional, and spatial information, amino acid conservation, physicochemical variation, residue mobility, and thermodynamic stability) indicates that this missense variant is not expected to disrupt CHD8 protein function with a negative predictive value of 95%. In summary, the available evidence is currently insufficient to determine the role of this variant in disease. Therefore, it has been classified as a Variant of Uncertain Significance.

NM_001170629.2(CHD8):c.3070A>C (p.Ile1024Leu)

Gene: CHD8 (chromodomain helicase DNA binding protein 8; minus strand). Cytogenetic location: 14q11.2.
Variant type: single nucleotide variant.
Coding change: c.3070A>C on transcript NM_001170629.2 (MANE Select); coding-DNA position 3070, A replaced by C.
Protein change: p.Ile1024Leu; replaces isoleucine 1024 with leucine.
Molecular consequence: missense variant.
Genome position (GRCh38, 1-based): chr14:21,405,446, T>G on the plus strand (A>C on the coding strand, the complement: CHD8 is on the minus strand). VCF-style: chr14-21405446-T-G. GRCh37 (hg19) VCF-style: chr14-21873605-T-G.
Other names: c.2233A>C, p.Ile745Leu (NM_020920.4); short protein forms I745L, I1024L.
Identifiers: ClinVar variation 4777235 (VCV004777235.1).